The following is an entry in ClinVar:

NM_007186.6(CEP250):c.4540G>A (p.Glu1514Lys)

Gene: CEP250 (centrosomal protein 250; plus strand). Cytogenetic location: 20q11.22.
Variant type: single nucleotide variant.
Coding change: c.4540G>A on transcript NM_007186.6 (MANE Select); coding-DNA position 4540, G replaced by A.
Protein change: p.Glu1514Lys; replaces glutamic acid 1514 with lysine.
Molecular consequence: missense variant.
Genome position (GRCh38, 1-based): chr20:35,502,909, G>A. VCF-style: chr20-35502909-G-A. GRCh37 (hg19) VCF-style: chr20-34090737-G-A.
Other names: c.2644G>A, p.Glu882Lys (NM_001318219.1); short protein forms E1514K, E882K.
Identifiers: ClinVar variation 1399499 (VCV001399499.4), dbSNP rs774715998, ClinGen allele CA9833733.

ClinVar aggregate classification (germline): Uncertain significance (1 of 4 stars; one submission).

Allele frequency attached by ClinVar (database versions not stated): ExAC 0.00001; gnomAD 0.00001; gnomAD exomes 0.00001; TOPMed 0.00001.
gnomAD v4.1: 22 of 1,614,118 alleles (0.0014%); highest among the groups gnomAD compares: Admixed American, 0.0033%; no homozygotes.

Submission:

Labcorp Genetics (formerly Invitae), Labcorp
Classification: Uncertain significance. Last evaluated: 2024-01-02. Review status: criteria provided, single submitter. Criteria: Invitae Variant Classification Sherloc (09022015). Collection method: clinical testing. Allele origin: germline.
Comment: This sequence change replaces glutamic acid, which is acidic and polar, with lysine, which is basic and polar, at codon 1514 of the CEP250 protein (p.Glu1514Lys). This variant is present in population databases (rs774715998, gnomAD 0.006%). This variant has not been reported in the literature in individuals affected with CEP250-related conditions. ClinVar contains an entry for this variant (Variation ID: 1399499). An algorithm developed to predict the effect of missense changes on protein structure and function (PolyPhen-2) suggests that this variant is likely to be disruptive. In summary, the available evidence is currently insufficient to determine the role of this variant in disease. Therefore, it has been classified as a Variant of Uncertain Significance.